The following is an entry in ClinVar:

NM_001009944.3(PKD1):c.4759C>T (p.Arg1587Cys)

Gene: PKD1 (polycystin 1, transient receptor potential channel interacting; minus strand). Cytogenetic location: 16p13.3.
Variant type: single nucleotide variant.
Coding change: c.4759C>T on transcript NM_001009944.3 (MANE Select); coding-DNA position 4759, C replaced by T.
Protein change: p.Arg1587Cys; replaces arginine 1587 with cysteine.
Molecular consequence: missense variant.
Genome position (GRCh38, 1-based): chr16:2,110,408, G>A on the plus strand (C>T on the coding strand, the complement: PKD1 is on the minus strand). VCF-style: chr16-2110408-G-A. GRCh37 (hg19) VCF-style: chr16-2160409-G-A.
Other names: c.4759C>T (NM_001009944.2); c.4759C>T, p.Arg1587Cys (NM_000296.4); short protein forms R1587C.
Identifiers: ClinVar variation 1328309 (VCV001328309.11), dbSNP rs773407492, ClinGen allele CA7832263.
Genomic context (GRCh38, chr16:2,110,408, plus strand): 5'-AGGTGCCCACGGAGCGGAAGGTGTAAGAGATGGTAGGACCCCCAGGGATGGGCGTGCAGC[G>A]GTCACAGAGCACCCAGGAATAGCGCACATCACTGCCGGCCTCCAGCGACGTGCTGAAGCT-3'
Protein context (NP_001009944.3, residues 1577-1597): DVRYSWVLCD[Arg1587Cys]CTPIPGGPTI

ClinVar aggregate classification (germline): Conflicting classifications of pathogenicity. Review status: criteria provided, conflicting classifications (1 of 4 stars). 10 submissions from 10 submitters: Likely pathogenic (1); Uncertain significance (6). 3 of the submissions do not count toward it. Last evaluated 2026-04-10.

Conditions:
PKD1-related disorder. Also called: PKD1-related condition.
Polycystic kidney disease, adult type (PKD1). Also called: Polycystic Kidney, Autosomal Dominant; POLYCYSTIC KIDNEY DISEASE 1 WITH OR WITHOUT POLYCYSTIC LIVER DISEASE; Polycystic Kidney Disease 1, Autosomal Dominant; Polycystic kidney disease 1; Polycystic kidney disease 1, severe; POLYCYSTIC KIDNEY DISEASE, ADULT, TYPE I. Identifiers: MedGen C3149841, MONDO:0008263, OMIM 173900.

Allele frequency attached by ClinVar (database versions not stated): ExAC 0.00015; gnomAD exomes 0.00015 and 0.00017; gnomAD 0.00016; TOPMed 0.00019.
gnomAD v4.1: 239 of 1,612,502 alleles (0.015%); highest among the groups gnomAD compares: Middle Eastern, 0.18%; no homozygotes.

Submissions (10):

Victorian Clinical Genetics Services, Murdoch Childrens Research Institute
Classification: Uncertain significance for Polycystic kidney disease, adult type. Last evaluated: 2026-04-10. Review status: criteria provided, single submitter. Criteria: ACMG Guidelines, 2015. Collection method: clinical testing. Allele origin: germline. Affected: yes.
Comment: This variant is classified as VUS-3C. Evidence in support of pathogenic classification: Missense variant predicted to be damaging by in silico tool(s) or highly conserved with a major amino acid change. Additional information: Variant is predicted to result in a missense amino acid change from Arg to Cys; This variant is heterozygous; This gene is associated with autosomal dominant disease. Polycystic kidney disease 1 (MIM#173900) is predominantly caused by monoallelic variants, with rare reports of biallelic variants causing disease (OMIM); Variant is present in gnomAD >=0.001 and <0.01 for a dominant condition (v4: 239 heterozygote(s), 0 homozygote(s)); Alternative amino acid change(s) at the same position are present in gnomAD (highest allele count: v4: 10 heterozygote(s), 0 homozygote(s)); Previous reports of pathogenicity for this variant are conflicting. This variant has been classified as a VUS by many clinical laboratories in Clinvar, and once as as likely pathogenic. This variant has been reported in the literature in multiple ADPKD cohorts, however was also identified in a control group and in an individual with another PKD1 variant (PMIDs: 24611717, 36685964, 37231942, 27835667, 31740684, 27499327); No published functional evidence has been identified for this variant; No comparable missense variants have previous evidence for pathogenicity; Variant is located in the annotated PKD domain (DECIPHER). - Loss of function is a known mechanism of disease in this gene and is associated with polycystic kidney disease 1 (MIM#173900); Inheritance information for this variant is not currently available in this individual.

Women's Health and Genetics/Laboratory Corporation of America, LabCorp
Classification: Likely pathogenic for Polycystic kidney disease, adult type. Last evaluated: 2025-03-14. Review status: criteria provided, single submitter. Criteria: LabCorp Variant Classification Summary - May 2015. Collection method: clinical testing. Allele origin: germline.
Comment: Variant summary: PKD1 c.4759C>T (p.Arg1587Cys) results in a non-conservative amino acid change in the encoded protein sequence. Four of five in-silico tools predict a damaging effect of the variant on protein function. The variant allele was found at a frequency of 0.00017 in 249310 control chromosomes. This frequency is not significantly higher than estimated for a pathogenic variant in PKD1 causing Polycystic Kidney Disease 1 (0.00017 vs 0.0005), allowing no conclusion about variant significance. c.4759C>T has been reported in the heterozygous state in the literature in multiple individuals affected with autosomal dominant Polycystic Kidney Disease 1 (example, Kurashige_2014, Kim_2019, Gao_2023), including at least 1 family where it segregated with disease. These data indicate that the variant is likely to be associated with disease. To our knowledge, no experimental evidence demonstrating an impact on protein function has been reported. The following publications have been ascertained in the context of this evaluation (PMID: 24611717, 31740684, 36685964). ClinVar contains an entry for this variant (Variation ID: 1328309). Based on the evidence outlined above, the variant was classified as likely pathogenic.

Genomic Medicine Center of Excellence, King Faisal Specialist Hospital and Research Centre
Classification: Uncertain significance for Polycystic kidney disease, adult type. Last evaluated: 2024-12-19. Review status: criteria provided, single submitter. Criteria: ACMG Guidelines, 2015. Collection method: clinical testing. Allele origin: germline.

GeneDx
Classification: Uncertain significance. Last evaluated: 2024-03-12. Review status: criteria provided, single submitter. Criteria: GeneDx Variant Classification Process June 2021. Collection method: clinical testing. Allele origin: germline. Affected: yes.
Comment: Observed in multiple heterozygous individuals in large population cohorts (gnomAD), in clinically unaffected adult relatives of individuals referred for genetic testing at GeneDx, and in a clinically unaffected adult individual in published literature (PMID: 27835667); In silico analysis supports that this missense variant has a deleterious effect on protein structure/function; This variant is associated with the following publications: (PMID: 27835667, 31740684, 24611717, 36685964)

Mendelics
Classification: Uncertain significance. Last evaluated: 2022-05-04. Review status: criteria provided, single submitter. Criteria: Mendelics Assertion Criteria 2019. Collection method: clinical testing. Allele origin: germline.

Department of Pathology and Laboratory Medicine, Sinai Health System
Classification: Uncertain significance for Polycystic kidney disease, adult type. Last evaluated: 2020-08-13. Review status: criteria provided, single submitter. Criteria: ACMG Guidelines, 2015. Collection method: clinical testing. Allele origin: germline.

Juno Genomics, Hangzhou Juno Genomics, Inc
Classification: Uncertain significance for Polycystic kidney disease, adult type. Review status: criteria provided, single submitter. Criteria: ACMG Guidelines, 2015. Collection method: clinical testing. Allele origin: germline.
Comment: Absent from controls (or at extremely low frequency if recessive) in Genome Aggregation Database.;Multiple lines of computational evidence support a deleterious effect on the gene or gene product.

PreventionGenetics, part of Exact Sciences
Classification: Uncertain significance for PKD1-related condition. Last evaluated: 2024-08-31. Review status: no assertion criteria provided. Collection method: clinical testing. Allele origin: germline. Not counted in ClinVar's aggregate classification.
Comment: The PKD1 c.4759C>T variant is predicted to result in the amino acid substitution p.Arg1587Cys. This variant has been reported in individuals with polycystic kidney disease (Table S2 of Kurashige et al. 2015. PubMed ID: 24611717; Supplementary Table S6C of Kim et al. 2019. PubMed ID: 31740684). However, no segregation or functional analysis has been reported. This variant is reported in 0.025% of alleles in individuals of East Asian descent in gnomAD. At this time, the clinical significance of this variant is uncertain due to the absence of conclusive functional and genetic evidence.

Clinical Genetics DNA and cytogenetics Diagnostics Lab, Erasmus MC, Erasmus Medical Center
Classification: Uncertain significance. Review status: no assertion criteria provided. Collection method: clinical testing. Allele origin: germline. Affected: yes. Study: VKGL Data-share Consensus. Not counted in ClinVar's aggregate classification.

Laboratory of Diagnostic Genome Analysis, Leiden University Medical Center (LUMC)
Classification: Uncertain significance. Review status: no assertion criteria provided. Collection method: clinical testing. Allele origin: germline. Affected: yes. Study: VKGL Data-share Consensus. Not counted in ClinVar's aggregate classification.

Literature cited by the submitters: PubMed 36685964 (cited by Victorian Clinical Genetics Services, Murdoch Childrens Research Institute and Women's Health and Genetics/Laboratory Corporation of America, LabCorp); PubMed 31740684 (cited by Victorian Clinical Genetics Services, Murdoch Childrens Research Institute and Women's Health and Genetics/Laboratory Corporation of America, LabCorp); PubMed 27499327 (cited by Victorian Clinical Genetics Services, Murdoch Childrens Research Institute); PubMed 24611717 (cited by Victorian Clinical Genetics Services, Murdoch Childrens Research Institute and Women's Health and Genetics/Laboratory Corporation of America, LabCorp); PubMed 27835667 (cited by Victorian Clinical Genetics Services, Murdoch Childrens Research Institute); PubMed 37231942 (cited by Victorian Clinical Genetics Services, Murdoch Childrens Research Institute).